The following is an entry in ClinVar:

ClinVar aggregate classification (germline): Uncertain significance. Review status: criteria provided, multiple submitters, no conflicts (2 of 4 stars). 2 submissions from 2 submitters: Uncertain significance (2). Last evaluated 2026-02-03.

Conditions:
Cardiovascular phenotype. Identifiers: MedGen CN230736.

gnomAD v4.1: 3 of 1,550,136 alleles (0.00019%); highest among the groups gnomAD compares: Non-Finnish European, 0.00026%; no homozygotes.

Submissions (2):

Women's Health and Genetics/Laboratory Corporation of America, LabCorp
Classification: Uncertain significance. Last evaluated: 2026-02-03. Review status: criteria provided, single submitter. Criteria: LabCorp Variant Classification Summary - May 2015. Collection method: clinical testing. Allele origin: germline.
Comment: Variant summary: ZNF469 c.7064T>C (p.Leu2355Pro) results in a non-conservative amino acid change in the encoded protein sequence. Algorithms developed to predict the effect of missense changes on protein structure and function are either unavailable or do not agree on the potential impact of this missense change. The variant allele was found at a frequency of 6.6e-06 in 151168 control chromosomes. The available data on variant occurrences in the general population are insufficient to allow any conclusion about variant significance. To our knowledge, no occurrence of c.7064T>C in individuals affected with ZNF469-related conditions and no experimental evidence demonstrating its impact on protein function have been reported. No submitters have cited clinical-significance assessments for this variant to ClinVar. Based on the evidence outlined above, the variant was classified as uncertain significance.

Ambry Genetics
Classification: Uncertain significance for Cardiovascular phenotype. Last evaluated: 2025-06-08. Review status: criteria provided, single submitter. Criteria: Ambry Variant Classification Scheme 2023. Collection method: clinical testing. Allele origin: germline.

NM_001367624.2(ZNF469):c.7064T>C (p.Leu2355Pro)

Gene: ZNF469 (zinc finger protein 469; plus strand). Cytogenetic location: 16q24.2.
Variant type: single nucleotide variant.
Coding change: c.7064T>C on transcript NM_001367624.2 (MANE Select); coding-DNA position 7064, T replaced by C.
Protein change: p.Leu2355Pro; replaces leucine 2355 with proline.
Molecular consequence: missense variant.
Genome position (GRCh38, 1-based): chr16:88,434,534, T>C. VCF-style: chr16-88434534-T-C. GRCh37 (hg19) VCF-style: chr16-88500942-T-C.
Other names: NM_001127464.1:c.6980T>C; short protein forms L2355P.
Identifiers: ClinVar variation 3987395 (VCV003987395.2).